The following is an entry in ClinVar:

NM_004360.5(CDH1):c.1711G>A (p.Gly571Ser)

Gene: CDH1 (cadherin 1; plus strand). Cytogenetic location: 16q22.1.
Variant type: single nucleotide variant.
Coding change: c.1711G>A on transcript NM_004360.5 (MANE Select); coding-DNA position 1711, G replaced by A.
Protein change: p.Gly571Ser; replaces glycine 571 with serine.
Molecular consequence: missense variant. On other transcripts: intron variant (1).
Genome position (GRCh38, 1-based): chr16:68,819,425, G>A. VCF-style: chr16-68819425-G-A. GRCh37 (hg19) VCF-style: chr16-68853328-G-A.
Other names: c.1711G>A (LRG_301t1); c.1528G>A, p.Gly510Ser (NM_001317184.2); c.163G>A, p.Gly55Ser (NM_001317185.2); c.-254-2576G>A (NM_001317186.2); short protein forms G571S, G510S, G55S.
Identifiers: ClinVar variation 185583 (VCV000185583.10), dbSNP rs786202290, ClinGen allele CA192333.

ClinVar aggregate classification (germline): Likely pathogenic. Review status: criteria provided, multiple submitters, no conflicts (2 of 4 stars). 3 submissions from 3 submitters: Likely pathogenic (2). 1 of the submissions does not count toward it. Last evaluated 2024-04-02.

Conditions:
Familial cancer of breast. Also called: BREAST CANCER, FAMILIAL; hereditary breast carcinoma; Hereditary breast cancer. Identifiers: Orphanet 227535, MedGen C0346153, MONDO:0016419, OMIM 114480. Disease mechanism: loss of function.
Hereditary diffuse gastric adenocarcinoma (HDGC). Also called: DIFFUSE GASTRIC AND LOBULAR BREAST CANCER SYNDROME. Identifiers: Orphanet 26106, MedGen C1708349, MONDO:0007648, OMIM 137215.
Hereditary cancer-predisposing syndrome. Also called: Tumor predisposition; Hereditary Cancer Syndrome; Hereditary neoplastic syndrome; Neoplastic Syndromes, Hereditary. Identifiers: Orphanet 140162, MedGen C0027672, MeSH D009386, MONDO:0015356.

Submissions (3):

GeneDx
Classification: Likely pathogenic. Last evaluated: 2024-04-02. Review status: criteria provided, single submitter. Criteria: GeneDx Variant Classification Process June 2021. Collection method: clinical testing. Allele origin: germline. Affected: yes.
Comment: Located at the last nucleotide of the exon and published RNA studies demonstrate aberrant splicing leading to a predicted null allele in a gene for which loss-of-function is a known mechanism of disease (PMID: 31843900); Not observed at significant frequency in large population cohorts (gnomAD); This variant is associated with the following publications: (PMID: 29179779, 26674224, 29975246, 30212499, 11291078, 36922933, 31854063, 31843900)

Ambry Genetics
Classification: Likely pathogenic for Hereditary cancer-predisposing syndrome. Last evaluated: 2022-02-10. Review status: criteria provided, single submitter. Criteria: Ambry Variant Classification Scheme 2023. Collection method: clinical testing. Allele origin: germline.
Comment: The c.1711G>A variant (also known as p.G571S), located in coding exon 11 of the CDH1 gene, results from a G to A substitution at nucleotide position 1711. The amino acid change results in glycine to serine at codon 571, an amino acid with similar properties. However, this change occurs in the last base pair of coding exon 11, which makes it likely to have some effect on normal mRNA splicing. This alteration has been detected in a family with a clinical history consistent with hereditary diffuse gastric cancer (Ambry internal data). RNA analysis has shown to cause aberrant splicing in patient-derived lymphoblast cells (Casadei S et al. Proc Natl Acad Sci U S A, 2019 Dec;:). This nucleotide position is completely conserved on sequence alignment. This amino acid position is highly conserved in available vertebrate species. In silico splice site analysis for this alteration is inconclusive and direct evidence is insufficient at this time (Ambry internal data). In silico splice site analysis for this alteration is inconclusive. Based on the majority of available evidence to date, this variant is likely to be pathogenic.

King Laboratory, University of Washington
Classification: Pathogenic for Familial cancer of breast; Hereditary diffuse gastric cancer. Last evaluated: 2019-09-01. Review status: no assertion criteria provided. Collection method: research. Allele origin: germline. Affected: yes. Not counted in ClinVar's aggregate classification.
Comment: Transcript analysis by cBROCA

Literature cited by the submitters: PubMed 31843900 (cited by King Laboratory, University of Washington).